The following is an entry in ClinVar:

NM_006258.4(PRKG1):c.1199A>C (p.Lys400Thr)

Gene: PRKG1 (protein kinase cGMP-dependent 1; plus strand). Cytogenetic location: 10q21.1.
Variant type: single nucleotide variant.
Coding change: c.1199A>C on transcript NM_006258.4 (MANE Select); coding-DNA position 1199, A replaced by C.
Protein change: p.Lys400Thr; replaces lysine 400 with threonine.
Molecular consequence: missense variant. On other transcripts: 5 prime UTR variant (1).
Genome position (GRCh38, 1-based): chr10:52,271,375, A>C. VCF-style: chr10-52271375-A-C. GRCh37 (hg19) VCF-style: chr10-54031135-A-C.
Other names: c.1154A>C, p.Lys385Thr (NM_001098512.3); c.-11A>C (NM_001374781.1); short protein forms K385T, K400T.
Identifiers: ClinVar variation 3783395 (VCV003783395.1).

ClinVar aggregate classification (germline): Uncertain significance (1 of 4 stars; one submission).

Conditions:
Familial thoracic aortic aneurysm and aortic dissection (TAAD). Also called: Thoracic aortic aneurysms and dissections. Identifiers: Orphanet 91387, MedGen C4707243, MONDO:0019625.

Submission:

Ambry Genetics
Classification: Uncertain significance for Familial thoracic aortic aneurysm and aortic dissection. Last evaluated: 2025-02-06. Review status: criteria provided, single submitter. Criteria: Ambry Variant Classification Scheme 2023. Collection method: clinical testing. Allele origin: germline.
Comment: The p.K400T variant (also known as c.1199A>C), located in coding exon 11 of the PRKG1 gene, results from an A to C substitution at nucleotide position 1199. The lysine at codon 400 is replaced by threonine, an amino acid with similar properties. This amino acid position is conserved. In addition, the in silico prediction for this alteration is inconclusive. Based on the available evidence, the clinical significance of this variant remains unclear.